The following is an entry in ClinVar:

NM_178859.3(SLC51B):c.195_199del5

Genes: RASL12 (RAS like family 12; minus strand), SLC51B (SLC51 subunit beta; plus strand). Cytogenetic location: 15q22.31.
Variant type: Microsatellite.
Coding change: c.195_199del5 on transcript NM_178859.3; coding-DNA positions 195 to 199, 5 bases deleted (AAAGA; older notation c.195_199del5AAAGA).
Genome position (GRCh38, 1-based): chr15:65,052,972-65,052,976, AAAGA deleted; deleting any 5 consecutive bases within chr15:65,052,964-65,052,976 gives the same sequence; the c. name uses the placement nearest the transcript's 3' end. VCF-style (leftmost placement, unchanged base first): chr15-65052963-CAGAAA-C. GRCh37 (hg19) VCF-style: chr15-65345301-CAGAAA-C.
Identifiers: ClinVar variation 3715414 (VCV003715414.3).

ClinVar aggregate classification (germline): Uncertain significance. Review status: criteria provided, multiple submitters, no conflicts (2 of 4 stars). 2 submissions from 2 submitters: Uncertain significance (2). Last evaluated 2026-01-02.

Conditions:
SLC51B-related disorder. Also called: SLC51B-related condition.

Submissions (2):

PreventionGenetics, part of Exact Sciences
Classification: Uncertain significance for SLC51B-related condition. Last evaluated: 2026-01-02. Review status: criteria provided, single submitter. Criteria: ACMG Guidelines, 2015. Collection method: clinical testing. Allele origin: germline.
Comment: The SLC51B c.195_199del5 variant is predicted to result in a frameshift and premature protein termination (p.Glu65Aspfs*16). This variant resides in the terminal exon of this gene, and it is unclear if the resulting mRNA would undergo nonsense-mediated decay. To our knowledge, this variant has not been reported in the literature. This variant is reported in 0.0087% of alleles in individuals of Latino descent in gnomAD. At this time, the clinical significance of this variant is uncertain due to the absence of conclusive functional and genetic evidence.

Labcorp Genetics (formerly Invitae), Labcorp
Classification: Uncertain significance. Last evaluated: 2024-09-29. Review status: criteria provided, single submitter. Criteria: Invitae Variant Classification Sherloc (09022015). Collection method: clinical testing. Allele origin: germline.
Comment: This sequence change creates a premature translational stop signal (p.Glu65Aspfs*16) in the SLC51B gene. While this is not anticipated to result in nonsense mediated decay, it is expected to disrupt the last 64 amino acid(s) of the SLC51B protein. This variant is present in population databases (rs747097963, gnomAD 0.009%). This variant has not been reported in the literature in individuals affected with SLC51B-related conditions. Algorithms developed to predict the effect of sequence changes on RNA splicing suggest that this variant may disrupt the consensus splice site. In summary, the available evidence is currently insufficient to determine the role of this variant in disease. Therefore, it has been classified as a Variant of Uncertain Significance.